The following is an entry in ClinVar:

ClinVar aggregate classification (germline): Conflicting classifications of pathogenicity. Review status: criteria provided, conflicting classifications (1 of 4 stars). 3 submissions from 3 submitters: Likely pathogenic (1); Uncertain significance (2). Last evaluated 2024-08-05.

Allele frequency attached by ClinVar (database versions not stated): gnomAD exomes below 0.00001; 1000 Genomes Project 30x 0.00016.

Submissions (3):

Labcorp Genetics (formerly Invitae), Labcorp
Classification: Uncertain significance. Last evaluated: 2024-08-05. Review status: criteria provided, single submitter. Criteria: Invitae Variant Classification Sherloc (09022015). Collection method: clinical testing. Allele origin: germline.
Comment: This sequence change replaces arginine, which is basic and polar, with tryptophan, which is neutral and slightly polar, at codon 868 of the CDK13 protein (p.Arg868Trp). This variant is present in population databases (no rsID available, gnomAD no frequency). This variant has not been reported in the literature in individuals affected with CDK13-related conditions. ClinVar contains an entry for this variant (Variation ID: 1308067). An algorithm developed to predict the effect of missense changes on protein structure and function (PolyPhen-2) suggests that this variant is likely to be disruptive. In summary, the available evidence is currently insufficient to determine the role of this variant in disease. Therefore, it has been classified as a Variant of Uncertain Significance.

GeneDx
Classification: Likely pathogenic. Last evaluated: 2023-11-29. Review status: criteria provided, single submitter. Criteria: GeneDx Variant Classification Process June 2021. Collection method: clinical testing. Allele origin: germline. Affected: yes.
Comment: In silico analysis supports that this missense variant has a deleterious effect on protein structure/function; Has not been previously published as pathogenic or benign to our knowledge

Blueprint Genetics
Classification: Uncertain significance. Last evaluated: 2022-04-08. Review status: criteria provided, single submitter. Criteria: ACMG Guidelines, 2015. Collection method: clinical testing. Allele origin: germline.

NM_003718.5(CDK13):c.2602C>T (p.Arg868Trp)

Gene: CDK13 (cyclin dependent kinase 13; plus strand). Cytogenetic location: 7p14.1.
Variant type: single nucleotide variant.
Coding change: c.2602C>T on transcript NM_003718.5 (MANE Select); coding-DNA position 2602, C replaced by T.
Protein change: p.Arg868Trp; replaces arginine 868 with tryptophan.
Molecular consequence: missense variant.
Genome position (GRCh38, 1-based): chr7:40,062,827, C>T. VCF-style: chr7-40062827-C-T. GRCh37 (hg19) VCF-style: chr7-40102426-C-T.
Other names: c.2602C>T, p.Arg868Trp (NM_031267.4); short protein forms R868W.
Identifiers: ClinVar variation 1308067 (VCV001308067.6), dbSNP rs1472729808, ClinGen allele CA367285254.